The following is an entry in ClinVar:

NM_032043.3(BRIP1):c.3724A>C (p.Lys1242Gln)

Gene: BRIP1 (BRCA1 interacting DNA helicase 1; minus strand). Cytogenetic location: 17q23.2.
Variant type: single nucleotide variant.
Coding change: c.3724A>C on transcript NM_032043.3 (MANE Select); coding-DNA position 3724, A replaced by C.
Protein change: p.Lys1242Gln; replaces lysine 1242 with glutamine.
Molecular consequence: missense variant.
Genome position (GRCh38, 1-based): chr17:61,683,322, T>G on the plus strand (A>C on the coding strand, the complement: BRIP1 is on the minus strand). VCF-style: chr17-61683322-T-G. GRCh37 (hg19) VCF-style: chr17-59760683-T-G.
Other names: short protein forms K1242Q.
Identifiers: ClinVar variation 5033385 (VCV005033385.1).

ClinVar aggregate classification (germline): Uncertain significance (1 of 4 stars; one submission).

Conditions:
Hereditary cancer-predisposing syndrome. Also called: Neoplastic Syndromes, Hereditary; Tumor predisposition; Hereditary neoplastic syndrome; Hereditary Cancer Syndrome. Identifiers: Orphanet 140162, MedGen C0027672, MeSH D009386, MONDO:0015356.

gnomAD v4.1: 1 of 1,610,676 alleles (0.000062%); highest among the groups gnomAD compares: Non-Finnish European, 0.000085%; no homozygotes.

Submission:

Ambry Genetics
Classification: Uncertain significance for Hereditary cancer-predisposing syndrome. Last evaluated: 2026-06-16. Review status: criteria provided, single submitter. Criteria: Ambry Variant Classification Scheme 2023. Collection method: clinical testing. Allele origin: germline.
Comment: The p.K1242Q variant (also known as c.3724A>C), located in coding exon 19 of the BRIP1 gene, results from an A to C substitution at nucleotide position 3724. The lysine at codon 1242 is replaced by glutamine, an amino acid with similar properties. This amino acid position is conserved. In addition, this alteration is predicted to be tolerated by in silico analysis. Based on the available evidence, the clinical significance of this variant remains unclear.